The following is an entry in ClinVar:

NM_017739.4(POMGNT1):c.1248T>A (p.Asp416Glu)

Genes: POMGNT1 (protein O-linked mannose N-acetylglucosaminyltransferase 1 (beta 1,2-); minus strand), TSPAN1 (tetraspanin 1; plus strand). Cytogenetic location: 1p34.1.
Variant type: single nucleotide variant.
Coding change: c.1248T>A on transcript NM_017739.4 (MANE Select); coding-DNA position 1248, T replaced by A.
Protein change: p.Asp416Glu; replaces aspartic acid 416 with glutamic acid.
Molecular consequence: missense variant.
Genome position (GRCh38, 1-based): chr1:46,192,554, A>T on the plus strand (T>A on the coding strand, the complement: POMGNT1 is on the minus strand). VCF-style: chr1-46192554-A-T. GRCh37 (hg19) VCF-style: chr1-46658226-A-T.
Other names: p.Asp416Glu; c.1248T>A, p.Asp416Glu (NM_001243766.2, NM_001410783.1); c.1182T>A, p.Asp394Glu (NM_001290129.3); c.819T>A, p.Asp273Glu (NM_001290130.2); short protein forms D273E, D394E, D416E.
Identifiers: ClinVar variation 2683715 (VCV002683715.1), dbSNP rs756939646, ClinGen allele CA340176678.
Genomic context (GRCh38, chr1:46,192,554, plus strand): 5'-TAAACCCTGGTCATTCCAGCCTACCTGGTCATTCCAGGCAGAGATGCAGTACAGGCTGTC[A>T]TCCTCCTCCAGTAGGTGGATGGATTGGCTCAGGAAACTGAGAGAGGCAGGGTCAAAGAGT-3'
Protein context (NP_060209.4, residues 406-426): LSQSIHLLEE[Asp416Glu]DSLYCISAWN

ClinVar aggregate classification (germline): Uncertain significance (1 of 4 stars; one submission).

Submission:

Mayo Clinic Laboratories, Mayo Clinic
Classification: Uncertain significance. Last evaluated: 2022-10-13. Review status: criteria provided, single submitter. Criteria: ACMG Guidelines, 2015. Collection method: clinical testing. Allele origin: germline. Observed: 1 variant allele.
Comment: PP3, PM2